The following is an entry in ClinVar:

ClinVar aggregate classification (germline): Uncertain significance (1 of 4 stars; one submission).

Allele frequency attached by ClinVar (database versions not stated): TOPMed below 0.00001; gnomAD exomes 0.00001.
gnomAD v4.1: 10 of 1,612,114 alleles (0.00062%); highest among the groups gnomAD compares: East Asian, 0.0067%; no homozygotes.

Submission:

Labcorp Genetics (formerly Invitae), Labcorp
Classification: Uncertain significance. Last evaluated: 2021-09-24. Review status: criteria provided, single submitter. Criteria: Invitae Variant Classification Sherloc (09022015). Collection method: clinical testing. Allele origin: germline.
Comment: This sequence change replaces alanine with threonine at codon 115 of the CYP17A1 protein (p.Ala115Thr). The alanine residue is highly conserved and there is a small physicochemical difference between alanine and threonine. This variant is not present in population databases (ExAC no frequency). This variant has not been reported in the literature in individuals with CYP17A1-related conditions. Advanced modeling of protein sequence and biophysical properties (such as structural, functional, and spatial information, amino acid conservation, physicochemical variation, residue mobility, and thermodynamic stability) performed at Invitae indicates that this missense variant is expected to disrupt CYP17A1 protein function. In summary, the available evidence is currently insufficient to determine the role of this variant in disease. Therefore, it has been classified as a Variant of Uncertain Significance.

NM_000102.4(CYP17A1):c.343G>A (p.Ala115Thr)

Gene: CYP17A1 (cytochrome P450 family 17 subfamily A member 1; minus strand). Cytogenetic location: 10q24.32.
Variant type: single nucleotide variant.
Coding change: c.343G>A on transcript NM_000102.4 (MANE Select); coding-DNA position 343, G replaced by A.
Protein change: p.Ala115Thr; replaces alanine 115 with threonine.
Molecular consequence: missense variant.
Genome position (GRCh38, 1-based): chr10:102,835,347, C>T on the plus strand (G>A on the coding strand, the complement: CYP17A1 is on the minus strand). VCF-style: chr10-102835347-C-T. GRCh37 (hg19) VCF-style: chr10-104595104-C-T.
Other names: short protein forms A115T.
Identifiers: ClinVar variation 2150228 (VCV002150228.1), dbSNP rs1278456429, ClinGen allele CA377940450.
Genomic context (GRCh38, chr10:102,835,347, plus strand): 5'-ACAGGGCAAAGGTGGCCATCGCCAGCCTTCGATGCAGCTGCCAGTGTGCGCCAGAGTCAG[C>T]GAAGGCGATACCCTTACGGTTGTTGGACGCGATGTCTAGAGTTGCCTTTAGAGAGCAGGC-3'
Protein context (NP_000093.1, residues 105-125): ASNNRKGIAF[Ala115Thr]DSGAHWQLHR